The following is an entry in ClinVar:

ClinVar aggregate classification (germline): Uncertain significance. Review status: criteria provided, multiple submitters, no conflicts (2 of 4 stars). 4 submissions from 4 submitters: Uncertain significance (4). Last evaluated 2025-02-02.

Conditions:
T-B+ severe combined immunodeficiency due to JAK3 deficiency. Also called: SCID, T CELL-NEGATIVE, B CELL-POSITIVE, NK CELL-NEGATIVE; SCID, autosomal recessive, T-negative/B-positive type. Identifiers: Orphanet 35078, MedGen C1833275, MONDO:0010938, OMIM 600802.

Allele frequency attached by ClinVar (database versions not stated): TOPMed 0.00022; ESP Exome Variant Server 0.00031; gnomAD 0.00032 and 0.00036; gnomAD exomes 0.00040; ExAC 0.00057.
gnomAD v4.1: 533 of 1,610,272 alleles (0.033%); highest among the groups gnomAD compares: Non-Finnish European, 0.033%; no homozygotes.

Submissions (4):

Labcorp Genetics (formerly Invitae), Labcorp
Classification: Uncertain significance for T-B+ severe combined immunodeficiency due to JAK3 deficiency. Last evaluated: 2025-02-02. Review status: criteria provided, single submitter. Criteria: Invitae Variant Classification Sherloc (09022015). Collection method: clinical testing. Allele origin: germline.
Comment: This sequence change replaces leucine, which is neutral and non-polar, with phenylalanine, which is neutral and non-polar, at codon 1073 of the JAK3 protein (p.Leu1073Phe). This variant is present in population databases (rs200580168, gnomAD 0.1%), and has an allele count higher than expected for a pathogenic variant. This variant has not been reported in the literature in individuals affected with JAK3-related conditions. ClinVar contains an entry for this variant (Variation ID: 861674). Invitae Evidence Modeling of protein sequence and biophysical properties (such as structural, functional, and spatial information, amino acid conservation, physicochemical variation, residue mobility, and thermodynamic stability) has been performed for this missense variant. However, the output from this modeling did not meet the statistical confidence thresholds required to predict the impact of this variant on JAK3 protein function. In summary, the available evidence is currently insufficient to determine the role of this variant in disease. Therefore, it has been classified as a Variant of Uncertain Significance.

Blueprint Genetics
Classification: Uncertain significance. Last evaluated: 2024-07-30. Review status: criteria provided, single submitter. Criteria: ACMG Guidelines, 2015. Collection method: clinical testing. Allele origin: germline.

Neuberg Centre For Genomic Medicine, NCGM
Classification: Uncertain significance for T-B+ severe combined immunodeficiency due to JAK3 deficiency. Last evaluated: 2023-07-22. Review status: criteria provided, single submitter. Criteria: ACMG Guidelines, 2015. Collection method: clinical testing. Allele origin: germline. Inheritance: Autosomal recessive inheritance. Affected: yes.
Comment: The missense variant c.3217C>T p.Leu1073Phe in the JAK3 gene has not been reported previously as a pathogenic variant nor as a benign variant, to our knowledge. This variant is reported with the allele frequency 0.04% in the gnomAD Exomes. The amino acid Leu at position 1073 is changed to a Phe changing protein sequence and it might alter its composition and physico-chemical properties. Multiple lines of computational evidence Polyphen - Damaging, SIFT - Damaging and MutationTaster - Disease causing predict a damaging effect on protein structure and function for this variant. The amino acid change p.Leu1073Phe in JAK3 is predicted as conserved by GERP++ and PhyloP across 100 vertebrates. For these reasons, this variant has been classified as Uncertain Significance.

Illumina Laboratory Services, Illumina
Classification: Uncertain significance for T-B+ severe combined immunodeficiency due to JAK3 deficiency. Last evaluated: 2017-04-27. Review status: criteria provided, single submitter. Criteria: ICSL Variant Classification Criteria 13 December 2019. Collection method: clinical testing. Allele origin: germline.

NM_000215.4(JAK3):c.3217C>T (p.Leu1073Phe)

Gene: JAK3 (Janus kinase 3; minus strand). Cytogenetic location: 19p13.11.
Variant type: single nucleotide variant.
Coding change: c.3217C>T on transcript NM_000215.4 (MANE Select); coding-DNA position 3217, C replaced by T.
Protein change: p.Leu1073Phe; replaces leucine 1073 with phenylalanine.
Molecular consequence: missense variant.
Genome position (GRCh38, 1-based): chr19:17,826,901, G>A on the plus strand (C>T on the coding strand, the complement: JAK3 is on the minus strand). VCF-style: chr19-17826901-G-A. GRCh37 (hg19) VCF-style: chr19-17937710-G-A.
Other names: short protein forms L1073F.
Identifiers: ClinVar variation 861674 (VCV000861674.11), dbSNP rs200580168, ClinGen allele CA9301364.